The following is an entry in ClinVar:

ClinVar aggregate classification (germline): Conflicting classifications of pathogenicity. Review status: criteria provided, conflicting classifications (1 of 4 stars). 3 submissions from 3 submitters: Uncertain significance (1); Likely benign (1). 1 of the submissions does not count toward it. Last evaluated 2026-01-12.

Conditions:
ZFP57-related disorder. Also called: ZFP57-related condition.
Inborn genetic diseases. Identifiers: MedGen C0950123, MeSH D030342.

Allele frequency attached by ClinVar (database versions not stated): TOPMed 0.00003; gnomAD 0.00015; 1000 Genomes Project 0.00020; gnomAD exomes 0.00026; 1000 Genomes Project 30x 0.00062; ExAC 0.00067.

Submissions (3):

Labcorp Genetics (formerly Invitae), Labcorp
Classification: Likely benign. Last evaluated: 2026-01-12. Review status: criteria provided, single submitter. Criteria: Invitae Variant Classification Sherloc (09022015). Collection method: clinical testing. Allele origin: germline.

Ambry Genetics
Classification: Uncertain significance for Inborn genetic diseases. Last evaluated: 2025-02-09. Review status: criteria provided, single submitter. Criteria: Ambry Variant Classification Scheme 2023. Collection method: clinical testing. Allele origin: germline.

PreventionGenetics, part of Exact Sciences
Classification: Likely benign for ZFP57-related condition. Last evaluated: 2023-08-06. Review status: no assertion criteria provided. Collection method: clinical testing. Allele origin: germline. Not counted in ClinVar's aggregate classification.
Comment: This variant is classified as likely benign based on ACMG/AMP sequence variant interpretation guidelines (Richards et al. 2015 PMID: 25741868, with internal and published modifications).

NM_001109809.5(ZFP57):c.1585G>A (p.Ala529Thr)

Gene: ZFP57 (ZFP57 zinc finger protein; minus strand). Cytogenetic location: 6p22.1.
Variant type: single nucleotide variant.
Coding change: c.1585G>A on transcript NM_001109809.5 (MANE Select); coding-DNA position 1585, G replaced by A.
Protein change: p.Ala529Thr; replaces alanine 529 with threonine.
Molecular consequence: missense variant.
Genome position (GRCh38, 1-based): chr6:29,672,526, C>T on the plus strand (G>A on the coding strand, the complement: ZFP57 is on the minus strand). VCF-style: chr6-29672526-C-T. GRCh37 (hg19) VCF-style: chr6-29640303-C-T.
Other names: c.1369G>A, p.Ala457Thr (NM_001366333.2); c.1585G>A (NM_001109809.2); short protein forms A457T, A529T.
Identifiers: ClinVar variation 2199169 (VCV002199169.7), dbSNP rs575606060, ClinGen allele CA3690653.